The following is an entry in ClinVar:

ClinVar aggregate classification (germline): Benign/Likely benign. Review status: criteria provided, multiple submitters, no conflicts (2 of 4 stars). 5 submissions from 5 submitters: Benign (2); Likely benign (3). Last evaluated 2026-03-18.

Conditions:
BRCA1-related disorder. Also called: BRCA1-related condition.
Hereditary cancer-predisposing syndrome. Also called: Tumor predisposition; Hereditary neoplastic syndrome; Neoplastic Syndromes, Hereditary; Hereditary Cancer Syndrome. Identifiers: Orphanet 140162, MedGen C0027672, MeSH D009386, MONDO:0015356.
Hereditary breast ovarian cancer syndrome. Also called: Breast and ovarian cancer; Hereditary breast and ovarian cancer syndrome; Hereditary breast and ovarian cancer syndrome (HBOC); Hereditary breast and ovarian cancer; Hereditary breast and/or ovarian cancer syndrome; BRCA1- and BRCA2-Associated Hereditary Breast and Ovarian Cancer. Identifiers: Orphanet 145, MedGen C0677776, MeSH D061325, MONDO:0003582. Disease mechanism: loss of function.
Familial cancer of breast. Also called: Hereditary breast cancer; hereditary breast carcinoma; BREAST CANCER, FAMILIAL. Identifiers: Orphanet 227535, MedGen C0346153, MONDO:0016419, OMIM 114480. Disease mechanism: loss of function.

Submissions (5):

PreventionGenetics, part of Exact Sciences
Classification: Likely benign for BRCA1-related condition. Last evaluated: 2026-03-18. Review status: criteria provided, single submitter. Criteria: ACMG Guidelines, 2015. Collection method: clinical testing. Allele origin: germline.
Comment: This variant is classified as likely benign based on ACMG/AMP sequence variant interpretation guidelines (Richards et al. 2015 PMID: 25741868, with internal and published modifications).

Labcorp Genetics (formerly Invitae), Labcorp
Classification: Benign for Hereditary breast ovarian cancer syndrome. Last evaluated: 2025-02-10. Review status: criteria provided, single submitter. Criteria: Invitae Variant Classification Sherloc (09022015). Collection method: clinical testing. Allele origin: germline.

Blueprint Genetics
Classification: Likely benign. Last evaluated: 2020-01-20. Review status: criteria provided, single submitter. Criteria: ACMG Guidelines, 2015. Collection method: clinical testing. Allele origin: germline.

Color Diagnostics, LLC DBA Color Health
Classification: Likely benign for Hereditary cancer-predisposing syndrome. Last evaluated: 2015-07-17. Review status: criteria provided, single submitter. Criteria: ACMG Guidelines, 2015. Collection method: clinical testing. Allele origin: germline.

GeneDx
Classification: Benign for Familial cancer of breast. Last evaluated: 2013-11-11. Review status: criteria provided, single submitter. Criteria: GeneDx Variant Classification (06012015). Collection method: clinical testing. Allele origin: germline. Affected: yes.
Comment: The variant is found in HEREDICANCER,BR-OV-HEREDIC panel(s).

NM_007294.4(BRCA1):c.441+17del

Gene: BRCA1 (BRCA1 DNA repair associated; minus strand). Cytogenetic location: 17q21.31.
Variant type: Deletion.
Coding change: c.441+17del on transcript NM_007294.4 (MANE Select); 17 bases into the intron after coding-DNA position 441, one base deleted (T; older notation c.441+17delT).
Molecular consequence: intron variant.
Genome position (GRCh38, 1-based): chr17:43,104,105, A deleted on the plus strand (T on the coding strand, the reverse complement: BRCA1 is on the minus strand); the first of 4 consecutive A bases (chr17:43,104,105-43,104,108); deleting any one gives the same sequence. VCF-style (leftmost placement, unchanged base first): chr17-43104104-GA-G. GRCh37 (hg19) VCF-style: chr17-41256121-GA-G.
Other names: c.441+17del (NM_007299.4, NM_001407974.1, NM_001407969.1 and 164 more transcripts); c.231+17del (NM_001408492.1, NM_001407889.1, NM_001408513.1 and 58 more transcripts); c.300+17del (NM_001408468.1, NM_001407842.1, NM_001407749.1 and 99 more transcripts); c.-218-9245del (NM_001407966.1, NM_001407967.1); c.60+17del (NM_001407963.1, NM_001407960.1, NM_001407965.1 and 4 more transcripts); c.363+17del (NM_001408413.1, NM_001407660.1, NM_001407661.1 and 21 more transcripts); c.432+17del (NM_001407646.1, NM_001408408.1, NM_001407647.1); c.441+17delT (NM_007294.3); and 2 more.
Identifiers: ClinVar variation 462647 (VCV000462647.17), dbSNP rs730881449, ClinGen allele CA002831.